The following is an entry in ClinVar:

NM_003079.5(SMARCE1):c.935A>G (p.Glu312Gly)

Gene: SMARCE1 (SWI/SNF related BAF chromatin remodeling complex subunit E1; minus strand). Cytogenetic location: 17q21.2.
Variant type: single nucleotide variant.
Coding change: c.935A>G on transcript NM_003079.5 (MANE Select); coding-DNA position 935, A replaced by G.
Protein change: p.Glu312Gly; replaces glutamic acid 312 with glycine.
Molecular consequence: missense variant.
Genome position (GRCh38, 1-based): chr17:40,630,806, T>C on the plus strand (A>G on the coding strand, the complement: SMARCE1 is on the minus strand). VCF-style: chr17-40630806-T-C. GRCh37 (hg19) VCF-style: chr17-38787058-T-C.
Other names: short protein forms E312G.
Identifiers: ClinVar variation 846835 (VCV000846835.10), dbSNP rs2037086336, ClinGen allele CA399363557.

ClinVar aggregate classification (germline): Uncertain significance (1 of 4 stars; one submission).

Conditions:
Familial meningioma. Also called: Meningioma, familial, susceptibility to. Identifiers: Orphanet 263662, MedGen C3551915, MONDO:0011789, OMIM 607174.

Submission:

Labcorp Genetics (formerly Invitae), Labcorp
Classification: Uncertain significance for Familial meningioma. Last evaluated: 2020-03-31. Review status: criteria provided, single submitter. Criteria: Invitae Variant Classification Sherloc (09022015). Collection method: clinical testing. Allele origin: germline.
Comment: This sequence change replaces glutamic acid with glycine at codon 312 of the SMARCE1 protein (p.Glu312Gly). The glutamic acid residue is highly conserved and there is a moderate physicochemical difference between glutamic acid and glycine. This variant is not present in population databases (ExAC no frequency). This variant has not been reported in the literature in individuals with SMARCE1-related conditions. Algorithms developed to predict the effect of missense changes on protein structure and function (SIFT, PolyPhen-2, Align-GVGD) all suggest that this variant is likely to be tolerated, but these predictions have not been confirmed by published functional studies and their clinical significance is uncertain. In summary, the available evidence is currently insufficient to determine the role of this variant in disease. Therefore, it has been classified as a Variant of Uncertain Significance.